The following is an entry in ClinVar:

NM_080680.3(COL11A2):c.5121G>T (p.Gln1707His)

Gene: COL11A2 (collagen type XI alpha 2 chain; minus strand). Cytogenetic location: 6p21.32.
Variant type: single nucleotide variant.
Coding change: c.5121G>T on transcript NM_080680.3 (MANE Select); coding-DNA position 5121, G replaced by T.
Protein change: p.Gln1707His; replaces glutamine 1707 with histidine.
Molecular consequence: missense variant.
Genome position (GRCh38, 1-based): chr6:33,163,768, C>A on the plus strand (G>T on the coding strand, the complement: COL11A2 is on the minus strand). VCF-style: chr6-33163768-C-A. GRCh37 (hg19) VCF-style: chr6-33131545-C-A.
Other names: c.4800G>T, p.Gln1600His (NM_080679.3); c.4863G>T, p.Gln1621His (NM_080681.3); short protein forms Q1621H, Q1600H, Q1707H.
Identifiers: ClinVar variation 667219 (VCV000667219.17), dbSNP rs138667578, ClinGen allele CA3749900.

ClinVar aggregate classification (germline): Conflicting classifications of pathogenicity. Review status: criteria provided, conflicting classifications (1 of 4 stars). 6 submissions from 6 submitters: Uncertain significance (5); Benign (1). Last evaluated 2026-01-21.

Conditions:
Inborn genetic diseases. Identifiers: MedGen C0950123, MeSH D030342.

Allele frequency attached by ClinVar (database versions not stated): gnomAD 0.00001 and 0.00002; TOPMed 0.00002; gnomAD exomes 0.00003 and 0.00007; ExAC 0.00006; 1000 Genomes Project 30x 0.00031; 1000 Genomes Project 0.00040.
gnomAD v4.1: 23 of 1,613,112 alleles (0.0014%); highest among the groups gnomAD compares: Admixed American, 0.037%; no homozygotes.

Submissions (6):

Labcorp Genetics (formerly Invitae), Labcorp
Classification: Benign. Last evaluated: 2026-01-21. Review status: criteria provided, single submitter. Criteria: Invitae Variant Classification Sherloc (09022015). Collection method: clinical testing. Allele origin: germline.

Ambry Genetics
Classification: Uncertain significance for Inborn genetic diseases. Last evaluated: 2025-08-03. Review status: criteria provided, single submitter. Criteria: Ambry Variant Classification Scheme 2023. Collection method: clinical testing. Allele origin: germline.

GeneDx
Classification: Uncertain significance. Last evaluated: 2024-12-09. Review status: criteria provided, single submitter. Criteria: GeneDx Variant Classification Process June 2021. Collection method: clinical testing. Allele origin: germline. Affected: yes.
Comment: In silico analysis supports that this missense variant has a deleterious effect on protein structure/function; Has not been previously published as pathogenic or benign to our knowledge

Blueprint Genetics
Classification: Uncertain significance. Last evaluated: 2023-08-17. Review status: criteria provided, single submitter. Criteria: ACMG Guidelines, 2015. Collection method: clinical testing. Allele origin: germline.

ARUP Laboratories, Molecular Genetics and Genomics, ARUP Laboratories
Classification: Uncertain significance. Last evaluated: 2023-04-27. Review status: criteria provided, single submitter. Criteria: ARUP Molecular Germline Variant Investigation Process 2024. Collection method: clinical testing. Allele origin: germline.
Comment: The COL11A2 c.5121G>T; p.Gln1707His variant (rs138667578), to our knowledge, is not reported in the medical literature but is reported in ClinVar (Variation ID: 667219). This variant is observed in the general population with an overall allele frequency of 0.007% (18/244562 alleles) in the Genome Aggregation Database. Computational analyses are uncertain whether this variant is neutral or deleterious (REVEL: 0.361). Due to limited information, the clinical significance of this variant is uncertain at this time.

Laboratory for Molecular Medicine, Mass General Brigham Personalized Medicine
Classification: Uncertain significance. Last evaluated: 2018-10-30. Review status: criteria provided, single submitter. Criteria: LMM Criteria. Collection method: clinical testing. Allele origin: germline. Observed: 1 variant allele.
Comment: The p.Gln1707His variant in COL11A2 has not been previously reported in individu als with hearing loss, Stickler syndrome, or OSMED syndrome, but has been identi fied in 0.05% (18/34468) of Latino chromosomes by gnomAD. Computational prediction tools and conservation analysis suggest th at this variant may not impact the protein, though this information is not predi ctive enough to rule out pathogenicity. In summary, the clinical significance of the p.Gln1707His variant is uncertain. ACMG/AMP Criteria applied: BP4.